The following is an entry in ClinVar:

NM_000350.3(ABCA4):c.835G>A (p.Asp279Asn)

Gene: ABCA4 (ATP binding cassette subfamily A member 4; minus strand). Cytogenetic location: 1p22.1.
Variant type: single nucleotide variant.
Coding change: c.835G>A on transcript NM_000350.3 (MANE Select); coding-DNA position 835, G replaced by A.
Protein change: p.Asp279Asn; replaces aspartic acid 279 with asparagine.
Molecular consequence: missense variant.
Genome position (GRCh38, 1-based): chr1:94,083,375, C>T on the plus strand (G>A on the coding strand, the complement: ABCA4 is on the minus strand). VCF-style: chr1-94083375-C-T. GRCh37 (hg19) VCF-style: chr1-94548931-C-T.
Other names: c.835G>A, p.Asp279Asn (NM_001425324.1); c.835G>A (NM_000350.2); short protein forms D279N.
Identifiers: ClinVar variation 2065245 (VCV002065245.2), dbSNP rs1435664229, ClinGen allele CA958712.
Genomic context (GRCh38, chr1:94,083,375, plus strand): 5'-ATAATGAAATTATAATTACTACCATCAGGCTACTCACCTCTTGAATTCTTGGTGACATAT[C>T]AGATAATATTCCTCCCCAAGATCTCAGATTGATACCTTGAGAACGGCTGTCTAGGAGTGT-3'
Protein context (NP_000341.2, residues 269-289): NLRSWGGILS[Asp279Asn]MSPRIQEFIH

ClinVar aggregate classification (germline): Uncertain significance. Review status: criteria provided, multiple submitters, no conflicts (2 of 4 stars). 2 submissions from 2 submitters: Uncertain significance (2). Last evaluated 2025-04-18.

Conditions:
Inborn genetic diseases. Identifiers: MedGen C0950123, MeSH D030342.

Allele frequency attached by ClinVar (database versions not stated): ExAC 0.00002; gnomAD exomes below 0.00001; TOPMed 0.00002.
gnomAD v4.1: 3 of 1,612,892 alleles (0.00019%); highest among the groups gnomAD compares: East Asian, 0.0022%; no homozygotes.

Submissions (2):

Ambry Genetics
Classification: Uncertain significance for Inborn genetic diseases. Last evaluated: 2025-04-18. Review status: criteria provided, single submitter. Criteria: Ambry Variant Classification Scheme 2023. Collection method: clinical testing. Allele origin: germline.

Labcorp Genetics (formerly Invitae), Labcorp
Classification: Uncertain significance. Last evaluated: 2022-09-19. Review status: criteria provided, single submitter. Criteria: Invitae Variant Classification Sherloc (09022015). Collection method: clinical testing. Allele origin: germline.
Comment: This sequence change replaces aspartic acid, which is acidic and polar, with asparagine, which is neutral and polar, at codon 279 of the ABCA4 protein (p.Asp279Asn). This variant is present in population databases (no rsID available, gnomAD 0.01%). This variant has not been reported in the literature in individuals affected with ABCA4-related conditions. Advanced modeling of protein sequence and biophysical properties (such as structural, functional, and spatial information, amino acid conservation, physicochemical variation, residue mobility, and thermodynamic stability) performed at Invitae indicates that this missense variant is not expected to disrupt ABCA4 protein function. In summary, the available evidence is currently insufficient to determine the role of this variant in disease. Therefore, it has been classified as a Variant of Uncertain Significance.